The following is an entry in ClinVar:

ClinVar aggregate classification (germline): Uncertain significance. Review status: criteria provided, multiple submitters, no conflicts (2 of 4 stars). 3 submissions from 3 submitters: Uncertain significance (3). Last evaluated 2025-06-30.

Conditions:
Inborn genetic diseases. Identifiers: MedGen C0950123, MeSH D030342.

Allele frequency attached by ClinVar (database versions not stated): gnomAD 0.00001; TOPMed 0.00001; gnomAD exomes 0.00002.
gnomAD v4.1: 25 of 1,613,870 alleles (0.0015%); highest among the groups gnomAD compares: South Asian, 0.0033%; no homozygotes.

Submissions (3):

Ambry Genetics
Classification: Uncertain significance for Inborn genetic diseases. Last evaluated: 2025-06-30. Review status: criteria provided, single submitter. Criteria: Ambry Variant Classification Scheme 2023. Collection method: clinical testing. Allele origin: germline.

Blueprint Genetics
Classification: Uncertain significance. Last evaluated: 2023-11-15. Review status: criteria provided, single submitter. Criteria: ACMG Guidelines, 2015. Collection method: clinical testing. Allele origin: germline.

Labcorp Genetics (formerly Invitae), Labcorp
Classification: Uncertain significance. Last evaluated: 2022-04-30. Review status: criteria provided, single submitter. Criteria: Invitae Variant Classification Sherloc (09022015). Collection method: clinical testing. Allele origin: germline.
Comment: This sequence change replaces phenylalanine, which is neutral and non-polar, with leucine, which is neutral and non-polar, at codon 703 of the ADAM9 protein (p.Phe703Leu). This variant is present in population databases (no rsID available, gnomAD 0.003%). This variant has not been reported in the literature in individuals affected with ADAM9-related conditions. Algorithms developed to predict the effect of missense changes on protein structure and function are either unavailable or do not agree on the potential impact of this missense change (SIFT: "Deleterious"; PolyPhen-2: "Possibly Damaging"; Align-GVGD: "Class C0"). In summary, the available evidence is currently insufficient to determine the role of this variant in disease. Therefore, it has been classified as a Variant of Uncertain Significance.

NM_003816.3(ADAM9):c.2107T>C (p.Phe703Leu)

Gene: ADAM9 (ADAM metallopeptidase domain 9; plus strand). Cytogenetic location: 8p11.22.
Variant type: single nucleotide variant.
Coding change: c.2107T>C on transcript NM_003816.3 (MANE Select); coding-DNA position 2107, T replaced by C.
Protein change: p.Phe703Leu; replaces phenylalanine 703 with leucine.
Molecular consequence: missense variant. On other transcripts: non-coding transcript variant (2).
Genome position (GRCh38, 1-based): chr8:39,090,085, T>C. VCF-style: chr8-39090085-T-C. GRCh37 (hg19) VCF-style: chr8-38947604-T-C.
Other names: c.2107T>C (NM_003816.2); short protein forms F703L.
Identifiers: ClinVar variation 2192196 (VCV002192196.3), dbSNP rs926635362, ClinGen allele CA175205229.